The following is an entry in ClinVar:

ClinVar aggregate classification (germline): Uncertain significance (1 of 4 stars; one submission).

Allele frequency attached by ClinVar (database versions not stated): gnomAD exomes below 0.00001 and 0.00001; ExAC 0.00001; gnomAD 0.00001.
gnomAD v4.1: 13 of 1,613,690 alleles (0.00081%); highest among the groups gnomAD compares: Admixed American, 0.0017%; no homozygotes.

Submission:

Labcorp Genetics (formerly Invitae), Labcorp
Classification: Uncertain significance. Last evaluated: 2021-08-05. Review status: criteria provided, single submitter. Criteria: Invitae Variant Classification Sherloc (09022015). Collection method: clinical testing. Allele origin: germline.
Comment: In summary, the available evidence is currently insufficient to determine the role of this variant in disease. Therefore, it has been classified as a Variant of Uncertain Significance. Algorithms developed to predict the effect of missense changes on protein structure and function are either unavailable or do not agree on the potential impact of this missense change (SIFT: "Tolerated"; PolyPhen-2: "Not Available"; Align-GVGD: "Class C0"). This variant has not been reported in the literature in individuals affected with PCLO-related conditions. This variant is present in population databases (rs775578030, ExAC 0.002%). This sequence change replaces aspartic acid with asparagine at codon 3197 of the PCLO protein (p.Asp3197Asn). The aspartic acid residue is weakly conserved and there is a small physicochemical difference between aspartic acid and asparagine.

NM_033026.6(PCLO):c.9589G>A (p.Asp3197Asn)

Gene: PCLO (piccolo presynaptic cytomatrix protein; minus strand). Cytogenetic location: 7q21.11.
Variant type: single nucleotide variant.
Coding change: c.9589G>A on transcript NM_033026.6 (MANE Select); coding-DNA position 9589, G replaced by A.
Protein change: p.Asp3197Asn; replaces aspartic acid 3197 with asparagine.
Molecular consequence: missense variant.
Genome position (GRCh38, 1-based): chr7:82,950,999, C>T on the plus strand (G>A on the coding strand, the complement: PCLO is on the minus strand). VCF-style: chr7-82950999-C-T. GRCh37 (hg19) VCF-style: chr7-82580315-C-T.
Other names: c.9589G>A, p.Asp3197Asn (NM_014510.3); short protein forms D3197N.
Identifiers: ClinVar variation 1356849 (VCV001356849.6), dbSNP rs775578030, ClinGen allele CA4319892.